The following is an entry in ClinVar:

ClinVar aggregate classification (germline): Conflicting classifications of pathogenicity. Review status: criteria provided, conflicting classifications (1 of 4 stars). 5 submissions from 5 submitters: Uncertain significance (1); Likely benign (3). 1 of the submissions does not count toward it. Last evaluated 2025-11-11.

Conditions:
CRB2-related disorder. Also called: CRB2-related disorders; CRB2-related condition.
Inborn genetic diseases. Identifiers: MedGen C0950123, MeSH D030342.

Allele frequency attached by ClinVar (database versions not stated): gnomAD exomes 0.00004 and 0.00015; gnomAD 0.00007; TOPMed 0.00011; ExAC 0.00014; 1000 Genomes Project 0.00020; 1000 Genomes Project 30x 0.00031.
gnomAD v4.1: 75 of 1,613,962 alleles (0.0046%); highest among the groups gnomAD compares: East Asian, 0.11%; 1 homozygote.

Submissions (5):

Labcorp Genetics (formerly Invitae), Labcorp
Classification: Likely benign. Last evaluated: 2025-11-11. Review status: criteria provided, single submitter. Criteria: Invitae Variant Classification Sherloc (09022015). Collection method: clinical testing. Allele origin: germline.

Ambry Genetics
Classification: Likely benign for Inborn genetic diseases. Last evaluated: 2023-04-13. Review status: criteria provided, single submitter. Criteria: Ambry Variant Classification Scheme 2023. Collection method: clinical testing. Allele origin: germline.

Revvity Omics, Revvity
Classification: Uncertain significance. Last evaluated: 2020-09-09. Review status: criteria provided, single submitter. Criteria: ACMG Guidelines, 2015. Collection method: clinical testing. Allele origin: germline.

Breakthrough Genomics
Classification: Likely benign. Review status: criteria provided, single submitter. Criteria: ACMG Guidelines, 2015. Collection method: not provided. Allele origin: germline. Inheritance: Autosomal recessive inheritance. Affected: yes.

PreventionGenetics, part of Exact Sciences
Classification: Likely benign for CRB2-related condition. Last evaluated: 2022-12-19. Review status: no assertion criteria provided. Collection method: clinical testing. Allele origin: germline. Not counted in ClinVar's aggregate classification.
Comment: This variant is classified as likely benign based on ACMG/AMP sequence variant interpretation guidelines (Richards et al. 2015 PMID: 25741868, with internal and published modifications).

NM_173689.7(CRB2):c.2116C>T (p.Arg706Trp)

Gene: CRB2 (crumbs cell polarity complex component 2; plus strand). Cytogenetic location: 9q33.3.
Variant type: single nucleotide variant.
Coding change: c.2116C>T on transcript NM_173689.7 (MANE Select); coding-DNA position 2116, C replaced by T.
Protein change: p.Arg706Trp; replaces arginine 706 with tryptophan.
Molecular consequence: missense variant. On other transcripts: non-coding transcript variant (1).
Genome position (GRCh38, 1-based): chr9:123,371,258, C>T. VCF-style: chr9-123371258-C-T. GRCh37 (hg19) VCF-style: chr9-126133537-C-T.
Other names: c.2116C>T (NM_173689.5, NM_173689.6); short protein forms R706W.
Identifiers: ClinVar variation 1658186 (VCV001658186.16), dbSNP rs575676072, ClinGen allele CA5232136.
Genomic context (GRCh38, chr9:123,371,258, plus strand): 5'-CTCCAGTTTGCCAATGACTCCGCAGCTGGCCTAACAGTATTCCTGAGTGAGGGTCGGATC[C>T]GGGCTGAGGTGCCGGGCAGTCCTGCTGTAGTGCTCCCTGGGCGCTGGGATGATGGGCTCC-3'
Protein context (NP_775960.4, residues 696-716): LTVFLSEGRI[Arg706Trp]AEVPGSPAVV